The following is an entry in ClinVar:

NM_001001957.2(OR2W3):c.707del (p.Lys236fs)

Gene: OR2W3 (olfactory receptor family 2 subfamily W member 3; plus strand). Cytogenetic location: 1q44.
Variant type: Deletion.
Coding change: c.707del on transcript NM_001001957.2 (MANE Select); coding-DNA position 707, one base deleted (A; older notation c.707delA).
Protein change: p.Lys236fs; shifts the reading frame from lysine 236.
Molecular consequence: frameshift variant.
Genome position (GRCh38, 1-based): chr1:247,896,293, A deleted; the last of 2 consecutive A bases (chr1:247,896,292-247,896,293); deleting either gives the same sequence. VCF-style (leftmost placement, unchanged base first): chr1-247896291-GA-G. GRCh37 (hg19) VCF-style: chr1-248059593-GA-G.
Other names: short protein forms K236fs.
Identifiers: ClinVar variation 2019567 (VCV002019567.4), dbSNP rs1659608218, ClinGen allele CA1232294068.

ClinVar aggregate classification (germline): Uncertain significance (1 of 4 stars; one submission).

Submission:

Labcorp Genetics (formerly Invitae), Labcorp
Classification: Uncertain significance. Last evaluated: 2025-08-11. Review status: criteria provided, single submitter. Criteria: Invitae Variant Classification Sherloc (09022015). Collection method: clinical testing. Allele origin: germline.
Comment: This sequence change creates a premature translational stop signal (p.Lys236Argfs*62) in the OR2W3 gene. While this is not anticipated to result in nonsense mediated decay, it is expected to disrupt the last 79 amino acid(s) of the OR2W3 protein. This variant is not present in population databases (gnomAD no frequency). This variant has not been reported in the literature in individuals affected with OR2W3-related conditions. ClinVar contains an entry for this variant (Variation ID: 2019567). In summary, the available evidence is currently insufficient to determine the role of this variant in disease. Therefore, it has been classified as a Variant of Uncertain Significance.